The following is an entry in ClinVar:

ClinVar aggregate classification (germline): Pathogenic (1 of 4 stars; one submission).

Submission:

Labcorp Genetics (formerly Invitae), Labcorp
Classification: Pathogenic. Last evaluated: 2022-07-25. Review status: criteria provided, single submitter. Criteria: Invitae Variant Classification Sherloc (09022015). Collection method: clinical testing. Allele origin: germline.
Comment: For these reasons, this variant has been classified as Pathogenic. This variant has not been reported in the literature in individuals affected with SLC12A3-related conditions. This variant is not present in population databases (gnomAD no frequency). This sequence change creates a premature translational stop signal (p.Ile61Cysfs*50) in the SLC12A3 gene. It is expected to result in an absent or disrupted protein product. Loss-of-function variants in SLC12A3 are known to be pathogenic (PMID: 20848653, 22009145, 25841442).

Literature cited by the submitters: PubMed 20848653; PubMed 22009145; PubMed 25841442.

NM_001126108.2(SLC12A3):c.181_190del (p.Ile61fs)

Gene: SLC12A3 (solute carrier family 12 member 3; plus strand). Cytogenetic location: 16q13.
Variant type: Deletion.
Coding change: c.181_190del on transcript NM_001126108.2 (MANE Select); coding-DNA positions 181 to 190, 10 bases deleted (ATCGATGTGG; older notation c.181_190delATCGATGTGG).
Protein change: p.Ile61fs; shifts the reading frame from isoleucine 61.
Molecular consequence: frameshift variant.
Genome position (GRCh38, 1-based): chr16:56,865,416-56,865,425, ATCGATGTGG deleted; deleting any 10 consecutive bases within chr16:56,865,415-56,865,425 gives the same sequence; the c. name uses the placement nearest the transcript's 3' end. VCF-style (leftmost placement, unchanged base first): chr16-56865414-CGATCGATGTG-C. GRCh37 (hg19) VCF-style: chr16-56899326-CGATCGATGTG-C.
Other names: c.181_190del, p.Ile61fs (NM_000339.3, NM_001126107.2); c.181_190delATCGATGTGG, p.Ile61Cysfs (NM_001410896.1); short protein forms I61fs.
Identifiers: ClinVar variation 2063000 (VCV002063000.4), dbSNP rs2543468782, ClinGen allele CA2580091660.